The following is an entry in ClinVar:

ClinVar aggregate classification (germline): Uncertain significance (1 of 4 stars; one submission).

Submission:

CeGaT Center for Human Genetics Tuebingen
Classification: Uncertain significance. Last evaluated: 2023-10-01. Review status: criteria provided, single submitter. Criteria: CeGaT Center For Human Genetics Tuebingen Variant Classification Criteria Version 2. Collection method: clinical testing. Allele origin: germline. Affected: yes. Observed: 1 variant allele.
Comment: DUSP6: PM2, PP3

NM_001946.4(DUSP6):c.824C>A (p.Ala275Asp)

Genes: DUSP6 (dual specificity phosphatase 6; minus strand), POC1B-DUSP6 (POC1B-DUSP6 readthrough; minus strand). Cytogenetic location: 12q21.33.
Variant type: single nucleotide variant.
Coding change: c.824C>A on transcript NM_001946.4 (MANE Select); coding-DNA position 824, C replaced by A.
Protein change: p.Ala275Asp; replaces alanine 275 with aspartic acid.
Molecular consequence: missense variant. On other transcripts: intron variant (1).
Genome position (GRCh38, 1-based): chr12:89,350,602, G>T on the plus strand (C>A on the coding strand, the complement: DUSP6 is on the minus strand). VCF-style: chr12-89350602-G-T. GRCh37 (hg19) VCF-style: chr12-89744379-G-T.
Other names: c.400+1038C>A (NM_022652.4); short protein forms A275D.
Identifiers: ClinVar variation 2643210 (VCV002643210.24), dbSNP rs1303159836, ClinGen allele CA385986744.